The following is an entry in ClinVar:

ClinVar aggregate classification (germline): Uncertain significance (1 of 4 stars; one submission).

Allele frequency attached by ClinVar (database versions not stated): ExAC 0.00001; gnomAD exomes 0.00001; TOPMed 0.00001.
gnomAD v4.1: 4 of 1,613,934 alleles (0.00025%); highest among the groups gnomAD compares: Non-Finnish European, 0.00034%; no homozygotes.

Submission:

Labcorp Genetics (formerly Invitae), Labcorp
Classification: Uncertain significance. Last evaluated: 2024-01-15. Review status: criteria provided, single submitter. Criteria: Invitae Variant Classification Sherloc (09022015). Collection method: clinical testing. Allele origin: germline.
Comment: This sequence change affects codon 97 of the ACBD5 mRNA. It is a 'silent' change, meaning that it does not change the encoded amino acid sequence of the ACBD5 protein. This variant is present in population databases (rs759687298, gnomAD 0.002%). This variant has not been reported in the literature in individuals affected with ACBD5-related conditions. ClinVar contains an entry for this variant (Variation ID: 1908265). Algorithms developed to predict the effect of sequence changes on RNA splicing suggest that this variant may disrupt the consensus splice site. In summary, the available evidence is currently insufficient to determine the role of this variant in disease. Therefore, it has been classified as a Variant of Uncertain Significance.

NM_145698.5(ACBD5):c.291A>T (p.Gly97=)

Gene: ACBD5 (acyl-CoA binding domain containing 5; minus strand). Cytogenetic location: 10p12.1.
Variant type: single nucleotide variant.
Coding change: c.291A>T on transcript NM_145698.5 (MANE Select); coding-DNA position 291, A replaced by T.
Protein change: p.Gly97=; no amino-acid change (glycine 97 retained).
Molecular consequence: synonymous variant. On other transcripts: intron variant (7).
Genome position (GRCh38, 1-based): chr10:27,235,103, T>A on the plus strand (A>T on the coding strand, the complement: ACBD5 is on the minus strand). VCF-style: chr10-27235103-T-A. GRCh37 (hg19) VCF-style: chr10-27524032-T-A.
Other names: c.186A>T, p.Gly62= (NM_001042473.4, NM_001352574.2, NM_001352575.2 and 6 more transcripts); c.285A>T, p.Gly95= (NM_001271512.3, NM_001352571.1, NM_001352586.1 and 1 more transcripts); c.312A>T, p.Gly104= (NM_001352568.1, NM_001352572.1); c.291A>T, p.Gly97= (NM_001352569.1, NM_001352570.1, NM_001352573.1 and 2 more transcripts); c.-25-3283A>T (NM_001301253.2, NM_001301251.2, NM_001352583.1 and 4 more transcripts).
Identifiers: ClinVar variation 1908265 (VCV001908265.5), dbSNP rs759687298, ClinGen allele CA5451004.
Genomic context (GRCh38, chr10:27,235,103, plus strand): 5'-TTATGTCATTAAAATTTAAATTCTTGCATAGCTCTACACAAAAAATTACCATTTATATCT[T>A]CCAATAGGATCCCAAAATCCAGGCCTTGAAAGTTTACAGGGTCCTTCAGTTGCCTGCTTA-3'
Protein context (NP_663736.2, residues 87-107): LSRPGFWDPI[Gly97=]RYKWDAWSSL